The following is an entry in ClinVar:

ClinVar aggregate classification (germline): Pathogenic (1 of 4 stars; one submission).

Submission:

Labcorp Genetics (formerly Invitae), Labcorp
Classification: Pathogenic. Last evaluated: 2023-08-04. Review status: criteria provided, single submitter. Criteria: Invitae Variant Classification Sherloc (09022015). Collection method: clinical testing. Allele origin: germline.
Comment: For these reasons, this variant has been classified as Pathogenic. A similar copy number variant has been observed in individual(s) with pseudohypoparathyroidism Ia (PMID: 28711660). This variant is a gross deletion of the genomic region encompassing exon(s) 1 of the GNAS gene, which includes the initiator codon. This deletion extends beyond the assayed region for this gene and therefore may encompass additional genes. It is expected to result in an absent or disrupted protein product. Loss-of-function variants in GNAS are known to be pathogenic (PMID: 11784876, 23281139, 23796510, 25802881).

Literature cited by the submitters: PubMed 28711660; PubMed 11784876; PubMed 23281139; PubMed 23796510; PubMed 25802881.

NC_000020.10:g.(?_57466782)_(57466940_?)del

Gene: GNAS (GNAS complex locus; plus strand). Cytogenetic location: 20q13.32.
Variant type: Deletion.
Identifiers: ClinVar variation 2423186 (VCV002423186.4).